The following is an entry in ClinVar:

NM_000088.4(COL1A1):c.3747_3760del (p.Gly1250fs)

Gene: COL1A1 (collagen type I alpha 1 chain; minus strand). Cytogenetic location: 17q21.33.
Variant type: Deletion.
Coding change: c.3747_3760del on transcript NM_000088.4 (MANE Select); coding-DNA positions 3747 to 3760, 14 bases deleted (GGGCAGCCGCAAGA).
Protein change: p.Gly1250fs; shifts the reading frame from glycine 1250.
Molecular consequence: frameshift variant.
Genome position (GRCh38, 1-based): chr17:50,186,694-50,186,707, TCTTGCGGCTGCCC deleted on the plus strand (GGGCAGCCGCAAGA on the coding strand, the reverse complement: COL1A1 is on the minus strand); deleting any 14 consecutive bases within chr17:50,186,694-50,186,710 gives the same sequence; the c. name uses the placement nearest the transcript's 3' end. VCF-style (leftmost placement, unchanged base first): chr17-50186693-TTCTTGCGGCTGCCC-T. GRCh37 (hg19) VCF-style: chr17-48264054-TTCTTGCGGCTGCCC-T.
Other names: short protein forms G1250fs.
Identifiers: ClinVar variation 4075332 (VCV004075332.1).

ClinVar aggregate classification (germline): Pathogenic (1 of 4 stars; one submission).

Conditions:
Osteogenesis imperfecta type I (OI1). Also called: Classic Non-deforming Osteogenesis Imperfecta with Blue Sclerae; Lobstein disease; OI, TYPE I; OSTEOGENESIS IMPERFECTA TARDA; OSTEOGENESIS IMPERFECTA WITH BLUE SCLERAE; Osteogenesis imperfecta type 1. Identifiers: Orphanet 216796, Orphanet 666, MedGen C0023931, MONDO:0008146, OMIM 166200. Disease mechanism: loss of function.

Submission:

Clinical Biomedical Laboratory, Shriners Hospital For Children - Canada
Classification: Pathogenic for Osteogenesis imperfecta type I. Last evaluated: 2025-07-16. Review status: criteria provided, single submitter. Criteria: ACMG Guidelines, 2015. Collection method: clinical testing. Allele origin: germline. Affected: yes.
Comment: This variant is predicted to substitute a glycine residue by a proline residue, introduce a frameshift resulting in an abnormal stop codon 7 amino acids downstream. This stop codon is expected to lead to degradation of the affected mRNA transcript. This variant is absent from the Genome Aggregation Database (v2.1.1.), indicating it is rare. Variants predicted to introduce termination codons lead to degradation of the affected transcript and haploinsufficiency of the alpha 1 chain of collagen type I. COL1A1 haploinsufficiency are a typical cause of OI type I.